The following is an entry in ClinVar:

NM_172107.4(KCNQ2):c.939dup (p.Ser314fs)

Gene: KCNQ2 (potassium voltage-gated channel subfamily Q member 2; minus strand). Cytogenetic location: 20q13.33.
Variant type: Duplication.
Coding change: c.939dup on transcript NM_172107.4 (MANE Select); coding-DNA position 939, one base duplicated (G; older notation c.939dupG).
Protein change: p.Ser314fs; shifts the reading frame from serine 314.
Molecular consequence: frameshift variant.
Genome position (GRCh38, 1-based): chr20:63,438,709, C duplicated on the plus strand (G on the coding strand, the reverse complement: KCNQ2 is on the minus strand); the first of 4 consecutive C bases (chr20:63,438,709-63,438,712); duplicating any one gives the same sequence. VCF-style (leftmost placement, unchanged base first): chr20-63438708-A-AC. GRCh37 (hg19) VCF-style: chr20-62070061-A-AC.
Other names: c.939dup, p.Ser314fs (NM_004518.6, NM_172106.3, NM_172108.5 and 1 more transcripts); short protein forms S314fs.
Identifiers: ClinVar variation 21807 (VCV000021807.2), dbSNP rs118192213, ClinGen allele CA342539.

ClinVar aggregate classification (germline): not provided (0 of 4 stars; one submission).

Conditions:
Seizures, benign familial neonatal, 2. Also called: Seizures, benign neonatal, 2; Benign Neonatal Epilepsy 2; KCNQ3-Related Self-Limited Familial Neonatal Epilepsy (SLFNE); CONVULSIONS, BENIGN FAMILIAL NEONATAL, 2; KCNQ3-Related Benign Familial Neonatal Epilepsy. Identifiers: Orphanet 1949, MedGen C1852581, MONDO:0007366, OMIM 121201.

Submission:

GeneReviews
No classification provided. Condition: Seizures, benign familial neonatal, 2. Review status: no classification provided. Collection method: literature only. Allele origin: germline. Affected: yes.
Comment: Uncertain severity

Literature cited by the submitters: PubMed 17129708; NCBI Bookshelf NBK32534.